The following is an entry in ClinVar:

ClinVar aggregate classification (germline): Uncertain significance (1 of 4 stars; one submission).

Submission:

Labcorp Genetics (formerly Invitae), Labcorp
Classification: Uncertain significance. Last evaluated: 2024-09-22. Review status: criteria provided, single submitter. Criteria: Invitae Variant Classification Sherloc (09022015). Collection method: clinical testing. Allele origin: germline.
Comment: This sequence change replaces proline, which is neutral and non-polar, with leucine, which is neutral and non-polar, at codon 348 of the FOXI3 protein (p.Pro348Leu). This variant is not present in population databases (gnomAD no frequency). This variant has not been reported in the literature in individuals affected with FOXI3-related conditions. Experimental studies and prediction algorithms are not available or were not evaluated, and the functional significance of this variant is currently unknown. In summary, the available evidence is currently insufficient to determine the role of this variant in disease. Therefore, it has been classified as a Variant of Uncertain Significance.

NM_001135649.3(FOXI3):c.1043C>T (p.Pro348Leu)

Gene: FOXI3 (forkhead box I3; minus strand). Cytogenetic location: 2p11.2.
Variant type: single nucleotide variant.
Coding change: c.1043C>T on transcript NM_001135649.3 (MANE Select); coding-DNA position 1043, C replaced by T.
Protein change: p.Pro348Leu; replaces proline 348 with leucine.
Molecular consequence: missense variant.
Genome position (GRCh38, 1-based): chr2:88,448,427, G>A on the plus strand (C>T on the coding strand, the complement: FOXI3 is on the minus strand). VCF-style: chr2-88448427-G-A. GRCh37 (hg19) VCF-style: chr2-88747946-G-A.
Other names: short protein forms P348L.
Identifiers: ClinVar variation 3656654 (VCV003656654.2).
Genomic context (GRCh38, chr2:88,448,427, plus strand): 5'-AGTTGCAAGGTGTCTGCTGAGGCCTCTGAGATGGAGGTCGGGGAGAACACGCCGCTGGAG[G>A]GCAGCTGGGCCCCCTGGATCCCTAGGTGGCGGCTGCCAGGGAGAGCCCGCTGGGTACTCA-3'
Protein context (NP_001129121.1, residues 338-358): RHLGIQGAQL[Pro348Leu]SSGVFSPTSI